The following is an entry in ClinVar:

NM_000428.3(LTBP2):c.789_806dup (p.Ala276_Gly277insProGlnSerProProAla)

Gene: LTBP2 (latent transforming growth factor beta binding protein 2; minus strand). Cytogenetic location: 14q24.3.
Variant type: Duplication.
Coding change: c.789_806dup on transcript NM_000428.3 (MANE Select); coding-DNA positions 789 to 806, 18 bases duplicated (AGCACCACAGTCGCCGCC).
Protein change: p.Ala276_Gly277insProGlnSerProProAla.
Molecular consequence: inframe insertion.
Genome position (GRCh38, 1-based): chr14:74,585,878-74,585,895, GGCGGCGACTGTGGTGCT duplicated on the plus strand (AGCACCACAGTCGCCGCC on the coding strand, the reverse complement: LTBP2 is on the minus strand); duplicating any 18 consecutive bases within chr14:74,585,878-74,585,901 gives the same sequence; the c. name uses the placement nearest the transcript's 3' end. VCF-style (leftmost placement, unchanged base first): chr14-74585877-G-GGGCGGCGACTGTGGTGCT. GRCh37 (hg19) VCF-style: chr14-75052580-G-GGGCGGCGACTGTGGTGCT.
Identifiers: ClinVar variation 4750922 (VCV004750922.1).
Genomic context (GRCh38, chr14:74,585,877, plus strand): 5'-GCCCCAGACCCCAAGCCCCATGGAGAAGGGGACTTACCCAGCTGGTGGCGACTGTGGTGC[G>GGGCGGCGACTGTGGTGCT]GGCGGCGACTGTGGTGCTGGCGGCTGTGCTCTGGCCAAGGTGCCCTCTCCAGCCGCACTG-3'

ClinVar aggregate classification (germline): Uncertain significance (1 of 4 stars; one submission).

Submission:

Labcorp Genetics (formerly Invitae), Labcorp
Classification: Uncertain significance. Last evaluated: 2025-02-07. Review status: criteria provided, single submitter. Criteria: Invitae Variant Classification Sherloc (09022015). Collection method: clinical testing. Allele origin: germline.
Comment: This variant, c.789_806dup, results in the insertion of 6 amino acid(s) of the LTBP2 protein (p.Pro271_Ala276dup), but otherwise preserves the integrity of the reading frame. This variant is present in population databases (rs779626266, gnomAD 0.002%). This variant has not been reported in the literature in individuals affected with LTBP2-related conditions. In summary, the available evidence is currently insufficient to determine the role of this variant in disease. Therefore, it has been classified as a Variant of Uncertain Significance.